The following is an entry in ClinVar:

NM_001080449.3(DNA2):c.588-2214A>G

Gene: DNA2 (DNA replication helicase/nuclease 2; minus strand). Cytogenetic location: 10q21.3.
Variant type: single nucleotide variant.
Coding change: c.588-2214A>G on transcript NM_001080449.3 (MANE Select); 2214 bases into the intron before coding-DNA position 588, A replaced by G.
Molecular consequence: intron variant.
Genome position (GRCh38, 1-based): chr10:68,461,449, T>C on the plus strand (A>G on the coding strand, the complement: DNA2 is on the minus strand). VCF-style: chr10-68461449-T-C. GRCh37 (hg19) VCF-style: chr10-70221206-T-C.
Other names: IVS4, A-G, -2214.
Identifiers: ClinVar variation 1710081 (VCV001710081.3), dbSNP rs2493999571, ClinGen allele CA469811860.

ClinVar aggregate classification (germline): Pathogenic/Likely pathogenic. Review status: criteria provided, multiple submitters, no conflicts (2 of 4 stars). 3 submissions from 3 submitters: Pathogenic (1); Likely pathogenic (1). 1 of the submissions does not count toward it. Last evaluated 2025-07-10.

Conditions:
Rothmund-Thomson syndrome (RTS). Also called: Poikiloderma Congenitale; Poikiloderma of Rothmund-Thomson. Identifiers: Orphanet 2909, MedGen C0032339, MONDO:0010002.
Rothmund-Thomson syndrome type 4. Identifiers: MedGen C5935619, MONDO:0970950, OMIM 620819.

Submissions (3):

3billion
Classification: Likely pathogenic for Rothmund-Thomson syndrome type 4. Last evaluated: 2025-07-10. Review status: criteria provided, single submitter. Criteria: ACMG Guidelines, 2015. Collection method: clinical testing. Allele origin: germline. Affected: yes.
Comment: The variant is not observed in the gnomAD v4.1.0 dataset. Predicted Consequence/Location: Intron variant In silico tools predict the variant to alter splicing and produce an abnormal transcript [SpliceAI: 0.23 (>=0.2, moderate evidence for spliceogenicity)]. The variant has been reported to be associated with DNA2-related disorder (ClinVar ID: VCV001710081). Therefore, this variant is classified as Likely pathogenic according to the recommendation of ACMG/AMP guideline.

Human Genome and Stem Cell Research Center, Department of Genetics and Evolutionary Biology, Institute of Biosciences, University of São Paulo
Classification: Pathogenic for Rothmund-Thomson syndrome. Last evaluated: 2022-09-22. Review status: criteria provided, single submitter. Criteria: ACMG Guidelines, 2015. Collection method: research. Allele origin: maternal, paternal. Inheritance: Autosomal recessive inheritance. Affected: yes. Observed: 8 compound heterozygotes. Clinical features observed: Poikiloderma (HP:0001029), Developmental cataract (HP:0000519), Severe postnatal growth retardation (HP:0008850). Segregation with disease observed.
Comment: Very rare variant, predicted to alter splicing by Splice AI and RT-PCR demonstrated alternate splicing, segregating in all probands of 7 different families with Rothmund-Thomson Syndrome with congenital cataracts and severe growth restriction (DNA related RTS), in multiple probands present in trans with LoF variants. Pathogenic (PM2, PS3_sup, PM3_VS)

OMIM
Classification: Pathogenic for ROTHMUND-THOMSON SYNDROME, TYPE 4. Last evaluated: 2024-05-07. Review status: no assertion criteria provided. Collection method: literature only. Allele origin: germline. Not counted in ClinVar's aggregate classification.

Literature cited by the submitters: PubMed 37055165 (cited by OMIM).